The following is an entry in ClinVar:

ClinVar aggregate classification (germline): Uncertain significance (1 of 4 stars; one submission).

gnomAD v4.1: 1 of 1,612,010 alleles (0.000062%); highest among the groups gnomAD compares: Non-Finnish European, 0.000085%; no homozygotes.

Submission:

Labcorp Genetics (formerly Invitae), Labcorp
Classification: Uncertain significance. Last evaluated: 2024-09-14. Review status: criteria provided, single submitter. Criteria: Invitae Variant Classification Sherloc (09022015). Collection method: clinical testing. Allele origin: germline.
Comment: This sequence change replaces lysine, which is basic and polar, with arginine, which is basic and polar, at codon 370 of the POLG2 protein (p.Lys370Arg). This variant is not present in population databases (gnomAD no frequency). This variant has not been reported in the literature in individuals affected with POLG2-related conditions. An algorithm developed to predict the effect of missense changes on protein structure and function (PolyPhen-2) suggests that this variant is likely to be disruptive. Algorithms developed to predict the effect of sequence changes on RNA splicing suggest that this variant may disrupt the consensus splice site. In summary, the available evidence is currently insufficient to determine the role of this variant in disease. Therefore, it has been classified as a Variant of Uncertain Significance.

NM_007215.4(POLG2):c.1109A>G (p.Lys370Arg)

Genes: MILR1 (mast cell immunoglobulin like receptor 1; plus strand), POLG2 (DNA polymerase gamma 2, accessory subunit; minus strand). Cytogenetic location: 17q23.3.
Variant type: single nucleotide variant.
Coding change: c.1109A>G on transcript NM_007215.4 (MANE Select); coding-DNA position 1109, A replaced by G.
Protein change: p.Lys370Arg; replaces lysine 370 with arginine.
Molecular consequence: missense variant.
Genome position (GRCh38, 1-based): chr17:64,485,729, T>C on the plus strand (A>G on the coding strand, the complement: POLG2 is on the minus strand). VCF-style: chr17-64485729-T-C. GRCh37 (hg19) VCF-style: chr17-62481846-T-C.
Other names: short protein forms K370R.
Identifiers: ClinVar variation 3670259 (VCV003670259.2).